The following is an entry in ClinVar:

ClinVar aggregate classification (germline): Conflicting classifications of pathogenicity. Review status: criteria provided, conflicting classifications (1 of 4 stars). 3 submissions from 3 submitters: Uncertain significance (2); Likely benign (1). Last evaluated 2025-05-19.

Conditions:
Inborn genetic diseases. Identifiers: MedGen C0950123, MeSH D030342.
Fanconi anemia complementation group A (FANCA). Also called: Fanconi anemia, group A; FANCA-Related Fanconi Anemia. Identifiers: Orphanet 84, MedGen C3469521, MONDO:0009215, OMIM 227650.
Fanconi anemia (FA). Also called: Fanconi's anemia. Identifiers: Orphanet 84, MedGen C0015625, MeSH D005199, MONDO:0019391.

Allele frequency attached by ClinVar (database versions not stated): gnomAD exomes below 0.00001.
gnomAD v4.1: 1 of 1,614,186 alleles (0.000062%); highest among the groups gnomAD compares: Non-Finnish European, 0.000085%; no homozygotes.

Submissions (3):

Ambry Genetics
Classification: Likely benign for Inborn genetic diseases. Last evaluated: 2025-05-19. Review status: criteria provided, single submitter. Criteria: Ambry Variant Classification Scheme 2023. Collection method: clinical testing. Allele origin: germline.

Labcorp Genetics (formerly Invitae), Labcorp
Classification: Uncertain significance for Fanconi anemia. Last evaluated: 2022-10-28. Review status: criteria provided, single submitter. Criteria: Invitae Variant Classification Sherloc (09022015). Collection method: clinical testing. Allele origin: germline.
Comment: This sequence change replaces isoleucine, which is neutral and non-polar, with valine, which is neutral and non-polar, at codon 1300 of the FANCA protein (p.Ile1300Val). This variant is present in population databases (no rsID available, gnomAD 0.0009%). This variant has not been reported in the literature in individuals affected with FANCA-related conditions. ClinVar contains an entry for this variant (Variation ID: 1408464). Advanced modeling of protein sequence and biophysical properties (such as structural, functional, and spatial information, amino acid conservation, physicochemical variation, residue mobility, and thermodynamic stability) performed at Invitae indicates that this missense variant is not expected to disrupt FANCA protein function. Algorithms developed to predict the effect of sequence changes on RNA splicing suggest that this variant may disrupt the consensus splice site. In summary, the available evidence is currently insufficient to determine the role of this variant in disease. Therefore, it has been classified as a Variant of Uncertain Significance.

St. Jude Molecular Pathology, St. Jude Children's Research Hospital
Classification: Uncertain significance for Fanconi anemia complementation group A. Last evaluated: 2022-08-15. Review status: criteria provided, single submitter. Criteria: St. Jude Assertion Criteria 2020. Collection method: clinical testing. Allele origin: germline.
Comment: The FANCA c.3898A>G (p.Ile1300Val) missense change has a maximum subpopulation frequency of 0.00087898% in gnomAD v2.1.1. The in silico tool REVEL predicts a benign effect on protein function, but to our knowledge this prediction has not been confirmed by functional studies. To our knowledge, this variant has not been reported in individuals with Fanconi anemia. In summary, the evidence currently available is insufficient to determine the clinical significance of this variant. It has therefore been classified as of uncertain significance.

NM_000135.4(FANCA):c.3898A>G (p.Ile1300Val)

Genes: FANCA (FA complementation group A; minus strand), ZNF276 (zinc finger protein 276; plus strand). Cytogenetic location: 16q24.3.
Variant type: single nucleotide variant.
Coding change: c.3898A>G on transcript NM_000135.4 (MANE Select); coding-DNA position 3898, A replaced by G.
Protein change: p.Ile1300Val; replaces isoleucine 1300 with valine.
Molecular consequence: missense variant. On other transcripts: 3 prime UTR variant (2), non-coding transcript variant (4).
Genome position (GRCh38, 1-based): chr16:89,740,030, T>C on the plus strand (A>G on the coding strand, the complement: FANCA is on the minus strand). VCF-style: chr16-89740030-T-C. GRCh37 (hg19) VCF-style: chr16-89806438-T-C.
Other names: c.3898A>G, p.Ile1300Val (NM_001286167.3); c.*1784T>C (NM_001113525.2, NM_152287.4); short protein forms I1300V.
Identifiers: ClinVar variation 1408464 (VCV001408464.7), dbSNP rs1232415717, ClinGen allele CA397484968.
Genomic context (GRCh38, chr16:89,740,030, plus strand): 5'-GTGCCTCAGCAGCGTGTTTCTTACCACTCTCTGTCAACTGAAAGAGTGCCAGCCAGGATA[T>C]CTTCCTCTTCTCTAAACACTCGAGGATTGCTGCACAAACGTGGAAAGCCTTTGGCAGGTC-3'
Protein context (NP_000126.2, residues 1290-1310): AILECLEKRK[Ile1300Val]SWLALFQLTE